The following is an entry in ClinVar:

NC_000016.9:g.(?_89805097)_(89808330_?)del

Genes: FANCA (FA complementation group A; minus strand), ZNF276 (zinc finger protein 276; plus strand). Cytogenetic location: 16q24.3.
Variant type: Deletion.
Identifiers: ClinVar variation 3243298 (VCV003243298.1).

ClinVar aggregate classification (germline): Pathogenic (1 of 4 stars; one submission).

Conditions:
Fanconi anemia (FA). Also called: Fanconi's anemia. Identifiers: Orphanet 84, MedGen C0015625, MeSH D005199, MONDO:0019391.

Submission:

Labcorp Genetics (formerly Invitae), Labcorp
Classification: Pathogenic for Fanconi anemia. Last evaluated: 2023-05-16. Review status: criteria provided, single submitter. Criteria: Invitae Variant Classification Sherloc (09022015). Collection method: clinical testing. Allele origin: unknown.
Comment: This variant disrupts a region of the FANCA protein in which other variant(s) (p.Asp1429Asn) have been determined to be pathogenic (Invitae). This suggests that this is a clinically significant region of the protein, and that variants that disrupt it are likely to be disease-causing. Variants that disrupt the consensus splice site are a relatively common cause of aberrant splicing (PMID: 17576681, 9536098). This variant has not been reported in the literature in individuals affected with FANCA-related conditions. This variant results in the deletion of exons 38-42 and part of exon 43 (c.3765+878_4280del) of the FANCA gene. While this variant is not anticipated to result in nonsense mediated decay, it likely alters RNA splicing and results in a disrupted protein product. For these reasons, this variant has been classified as Pathogenic.

Literature cited by the submitters: PubMed 17576681; PubMed 9536098.